The following is an entry in ClinVar:

ClinVar aggregate classification (germline): Uncertain significance (1 of 4 stars; one submission).

Submission:

Ambry Genetics
Classification: Uncertain significance. Last evaluated: 2025-08-05. Review status: criteria provided, single submitter. Criteria: Ambry Variant Classification Scheme 2023. Collection method: clinical testing. Allele origin: germline.
Comment: The p.R579G variant (also known as c.1735C>G), located in coding exon 10 of the GALNT12 gene, results from a C to G substitution at nucleotide position 1735. The arginine at codon 579 is replaced by glycine, an amino acid with dissimilar properties. This amino acid position is conserved. In addition, this alteration is predicted to be tolerated by in silico analysis. Based on the available evidence, the clinical significance of this variant remains unclear.

NM_024642.5(GALNT12):c.1735C>G (p.Arg579Gly)

Gene: GALNT12 (polypeptide N-acetylgalactosaminyltransferase 12; plus strand). Cytogenetic location: 9q22.33.
Variant type: single nucleotide variant.
Coding change: c.1735C>G on transcript NM_024642.5 (MANE Select); coding-DNA position 1735, C replaced by G.
Protein change: p.Arg579Gly; replaces arginine 579 with glycine.
Molecular consequence: missense variant.
Genome position (GRCh38, 1-based): chr9:98,849,081, C>G. VCF-style: chr9-98849081-C-G. GRCh37 (hg19) VCF-style: chr9-101611363-C-G.
Other names: short protein forms R579G.
Identifiers: ClinVar variation 4261469 (VCV004261469.1).